The following is an entry in ClinVar:

ClinVar aggregate classification (germline): Likely benign. Review status: criteria provided, multiple submitters, no conflicts (2 of 4 stars). 4 submissions from 4 submitters: Likely benign (4). Last evaluated 2025-12-19.

Allele frequency attached by ClinVar (database versions not stated): 1000 Genomes Project 30x 0.00016; 1000 Genomes Project 0.00020; gnomAD exomes 0.00030 and 0.00034; gnomAD 0.00031; TOPMed 0.00034; ExAC 0.00035; ESP Exome Variant Server 0.00062.
gnomAD v4.1: 545 of 1,614,146 alleles (0.034%); highest among the groups gnomAD compares: Non-Finnish European, 0.042%; no homozygotes.

Submissions (4):

Labcorp Genetics (formerly Invitae), Labcorp
Classification: Likely benign. Last evaluated: 2025-12-19. Review status: criteria provided, single submitter. Criteria: Invitae Variant Classification Sherloc (09022015). Collection method: clinical testing. Allele origin: germline.

Blueprint Genetics
Classification: Likely benign. Last evaluated: 2024-09-12. Review status: criteria provided, single submitter. Criteria: ACMG Guidelines, 2015. Collection method: clinical testing. Allele origin: germline.

CeGaT Center for Human Genetics Tuebingen
Classification: Likely benign. Last evaluated: 2023-01-01. Review status: criteria provided, single submitter. Criteria: CeGaT Center For Human Genetics Tuebingen Variant Classification Criteria Version 2. Collection method: clinical testing. Allele origin: germline. Affected: yes. Observed: 1 variant allele.
Comment: FN1: BS2

Breakthrough Genomics
Classification: Likely benign. Review status: criteria provided, single submitter. Criteria: ACMG Guidelines, 2015. Collection method: not provided. Allele origin: germline. Inheritance: Autosomal dominant inheritance. Affected: yes.

NM_212482.4(FN1):c.3364A>C (p.Ser1122Arg)

Gene: FN1 (fibronectin 1; minus strand). Cytogenetic location: 2q35.
Variant type: single nucleotide variant.
Coding change: c.3364A>C on transcript NM_212482.4 (MANE Select); coding-DNA position 3364, A replaced by C.
Protein change: p.Ser1122Arg; replaces serine 1122 with arginine.
Molecular consequence: missense variant.
Genome position (GRCh38, 1-based): chr2:215,397,833, T>G on the plus strand (A>C on the coding strand, the complement: FN1 is on the minus strand). VCF-style: chr2-215397833-T-G. GRCh37 (hg19) VCF-style: chr2-216262556-T-G.
Other names: c.3364A>C, p.Ser1122Arg (NM_002026.4, NM_212474.3, NM_212476.3 and 13 more transcripts); short protein forms S1122R.
Identifiers: ClinVar variation 1006696 (VCV001006696.34), dbSNP rs138709133, ClinGen allele CA2094717.
Genomic context (GRCh38, chr2:215,397,833, plus strand): 5'-CGGACACAACGATGCTTCCTGAGTCTGAAGTCACTTCTCGTGGTGCCTCTCCTCCCTGGC[T>G]TGGTCGTACACCCAGCTAGAGGAAGGAATGCAAAGTAAACACCAAGGACAAATATTTCCA-3'
Protein context (NP_997647.2, residues 1112-1132): RIGFKLGVRP[Ser1122Arg]QGGEAPREVT